The following is an entry in ClinVar:

NM_006767.4(LZTR1):c.1449+6G>A

Gene: LZTR1 (leucine zipper like post translational regulator 1; plus strand). Cytogenetic location: 22q11.21.
Variant type: single nucleotide variant.
Coding change: c.1449+6G>A on transcript NM_006767.4 (MANE Select); 6 bases into the intron after coding-DNA position 1449, G replaced by A.
Molecular consequence: intron variant.
Genome position (GRCh38, 1-based): chr22:20,994,025, G>A. VCF-style: chr22-20994025-G-A. GRCh37 (hg19) VCF-style: chr22-21348314-G-A.
Identifiers: ClinVar variation 2890641 (VCV002890641.3), dbSNP rs746619586, ClinGen allele CA10118891.

ClinVar aggregate classification (germline): Uncertain significance (1 of 4 stars; one submission).

Allele frequency attached by ClinVar (database versions not stated): ExAC 0.00001; gnomAD exomes below 0.00001; TOPMed 0.00001.
gnomAD v4.1: 5 of 1,602,630 alleles (0.00031%); highest among the groups gnomAD compares: East Asian, 0.0068%; no homozygotes.

Submission:

Labcorp Genetics (formerly Invitae), Labcorp
Classification: Uncertain significance. Last evaluated: 2026-01-27. Review status: criteria provided, single submitter. Criteria: Invitae Variant Classification Sherloc (09022015). Collection method: clinical testing. Allele origin: germline.
Comment: This sequence change falls in intron 13 of the LZTR1 gene. It does not directly change the encoded amino acid sequence of the LZTR1 protein. It affects a nucleotide within the consensus splice site. This variant is present in population databases (rs746619586, gnomAD 0.02%). This variant has not been reported in the literature in individuals affected with LZTR1-related conditions. ClinVar contains an entry for this variant (Variation ID: 2890641). Variants that disrupt the consensus splice site are a relatively common cause of aberrant splicing (PMID: 17576681, 9536098). Algorithms developed to predict the effect of sequence changes on RNA splicing suggest that this variant is not likely to affect RNA splicing. In summary, the available evidence is currently insufficient to determine the role of this variant in disease. Therefore, it has been classified as a Variant of Uncertain Significance.

Literature cited by the submitters: PubMed 17576681; PubMed 9536098.